The following is an entry in ClinVar:

ClinVar aggregate classification (germline): Conflicting classifications of pathogenicity. Review status: criteria provided, conflicting classifications (1 of 4 stars). 6 submissions from 6 submitters: Likely pathogenic (4); Uncertain significance (1). 1 of the submissions does not count toward it. Last evaluated 2025-11-15.

Conditions:
Maturity-onset diabetes of the young type 13. Also called: MODY, TYPE 13. Identifiers: Orphanet 552, MedGen C4225365, MONDO:0014589, OMIM 616329.
Hyperinsulinemic hypoglycemia, familial, 2. Also called: HYPERINSULINEMIC HYPOGLYCEMIA, PERSISTENT; HYPERINSULINISM, NEONATAL. Identifiers: Orphanet 276580, Orphanet 276603, MedGen C2931833, MONDO:0011153, OMIM 601820. Disease mechanism: loss of function.
Type 2 diabetes mellitus. Also called: Type II diabetes mellitus. Identifiers: MedGen C0011860, MeSH D003924, MONDO:0005148, OMIM 125853, HP:0005978.
Diabetes mellitus, transient neonatal, 3 (TNDM3). Identifiers: Orphanet 99886, MedGen C1864623, MONDO:0012522, OMIM 610582. Disease mechanism: loss of function.
Diabetes mellitus, permanent neonatal 2. Also called: KCNJ11-Related Permanent Neonatal Diabetes Mellitus. Identifiers: MedGen C5394296, MONDO:0030087, OMIM 618856.
Maturity-onset diabetes of the young (MODY). Also called: Maturity onset diabetes mellitus in young. Identifiers: Orphanet 552, MedGen C0342276, MONDO:0018911, HP:0004904.
Familial hyperinsulinism. Also called: Congenital hyperinsulinism. Identifiers: Orphanet 276525, MedGen C3888018, MONDO:0017182. Disease mechanism: loss of function.
Permanent neonatal diabetes mellitus 1. Also called: GCK-Related Permanent Neonatal Diabetes Mellitus. Identifiers: MedGen C5393570, MONDO:0100165, OMIM 606176.
KCNJ11-related disorder. Also called: KCNJ11-related disorders; KCNJ11-related condition.

Allele frequency attached by ClinVar (database versions not stated): gnomAD exomes 0.00002.

Submissions (6):

Labcorp Genetics (formerly Invitae), Labcorp
Classification: Likely pathogenic. Last evaluated: 2025-11-15. Review status: criteria provided, single submitter. Criteria: Invitae Variant Classification Sherloc (09022015). Collection method: clinical testing. Allele origin: germline.
Comment: This sequence change replaces glycine, which is neutral and non-polar, with aspartic acid, which is acidic and polar, at codon 40 of the KCNJ11 protein (p.Gly40Asp). This variant is not present in population databases (gnomAD no frequency). This missense change has been observed in individual(s) with paternally inherited focal hyperinsulinism (PMID: 16357843). This variant has been reported in individual(s) with autosomal dominant diffuse hyperinsulinism (PMID: 27908292); however, the role of the variant in this condition is currently unclear. ClinVar contains an entry for this variant (Variation ID: 551373). Invitae Evidence Modeling of protein sequence and biophysical properties (such as structural, functional, and spatial information, amino acid conservation, physicochemical variation, residue mobility, and thermodynamic stability) indicates that this missense variant is expected to disrupt KCNJ11 protein function with a positive predictive value of 95%. Experimental studies have shown that this missense change affects KCNJ11 function (PMID: 10559219). This variant disrupts the p.Gly40 amino acid residue in KCNJ11. Other variant(s) that disrupt this residue have been observed in individuals with KCNJ11-related conditions (PMID: 16357843, 24401662, 28123437), which suggests that this may be a clinically significant amino acid residue. In summary, the currently available evidence indicates that the variant is pathogenic, but additional data are needed to prove that conclusively. Therefore, this variant has been classified as Likely Pathogenic.

Fulgent Genetics
Classification: Likely pathogenic for Type 2 diabetes mellitus; Hyperinsulinemic hypoglycemia, familial, 2; Diabetes mellitus, transient neonatal, 3; Maturity-onset diabetes of the young type 13; Diabetes mellitus, permanent neonatal 2. Last evaluated: 2024-04-29. Review status: criteria provided, single submitter. Criteria: ACMG Guidelines, 2015. Collection method: clinical testing. Allele origin: germline.

Women's Health and Genetics/Laboratory Corporation of America, LabCorp
Classification: Likely pathogenic for Familial hyperinsulinism. Last evaluated: 2024-04-12. Review status: criteria provided, single submitter. Criteria: LabCorp Variant Classification Summary - May 2015. Collection method: clinical testing. Allele origin: germline.
Comment: Variant summary: KCNJ11 c.119G>A (p.Gly40Asp) results in a non-conservative amino acid change located in the Potassium channel, inwardly rectifying, transmembrane domain (IPR040445) of the encoded protein sequence. Five of five in-silico tools predict a damaging effect of the variant on protein function. The variant was absent in 251188 control chromosomes. c.119G>A has been reported in the literature at a heterozygous state in at-least three individuals affected with Congenital Hyperinsulinism (example, Suchi_2006, Salomon-Estebanez_2016). These data indicate that the variant may be associated with disease. At least one publication reports experimental evidence evaluating an impact on protein function. The most pronounced variant effect results in disrupted the binding ability of the N-terminal and C-terminal domains of KCNJ11 in vitro and demolished KCNJ11 channel currents on Xenopus oocytes (Tucker_1999). The following publications have been ascertained in the context of this evaluation (PMID: 27908292, 16357843, 10559219). ClinVar contains an entry for this variant (Variation ID: 551373). Based on the evidence outlined above, the variant was classified as likely pathogenic.

PreventionGenetics, part of Exact Sciences
Classification: Likely pathogenic for KCNJ11-related condition. Last evaluated: 2023-10-11. Review status: criteria provided, single submitter. Criteria: ACMG Guidelines, 2015. Collection method: clinical testing. Allele origin: germline.
Comment: The KCNJ11 c.119G>A variant is predicted to result in the amino acid substitution p.Gly40Asp. This variant has been reported in multiple individuals with congenital hyperinsulinism (Table 1, Suchi et al. 2006. PubMed ID: 16357843; Table 2, Salomon-Estebanez et al. 2016. PubMed ID: 27908292; Table S12, Bonnefond et al. 2020. PubMed ID: 33046911), and in one non-diabetic control (Table S12, Billings et al. 2022. PubMed ID: 36208030). In vitro experimental studies suggest this variant severely affects protein function (Tucker and Ashcroft. 1999. PubMed ID: 10559219). This variant has not been reported in a large population database, indicating this variant is rare. This variant is interpreted as likely pathogenic.

Clinical Genomics, Uppaluri K&H Personalized Medicine Clinic
Classification: Uncertain significance for Maturity-onset diabetes of the young. Review status: criteria provided, single submitter. Criteria: K & H Uppaluri Personalized Medicine Clinic Variant Classification & Assertion Criteria_Updated V.1. Collection method: research. Allele origin: somatic. Inheritance: Autosomal dominant inheritance.
Comment: Mutations in KCNJ11 gene can cause decreased production and secretion of insulin. This can lead to MODY which may be responsive to oral sulfonylureas. This particular variant (rs1001873841) association with MODY remains uncertain. More studies are required to ascertain its role in MODY yet.

Counsyl
Classification: Uncertain significance for Hyperinsulinemic hypoglycemia, familial, 2; Permanent neonatal diabetes mellitus 1; Diabetes mellitus, transient neonatal, 3. Last evaluated: 2017-04-06. Review status: no assertion criteria provided. Collection method: clinical testing. Allele origin: unknown. Not counted in ClinVar's aggregate classification.

Literature cited by the submitters: PubMed 16357843 (cited by 3 submitters); PubMed 27908292 (cited by 4 submitters); PubMed 10559219 (cited by 3 submitters); PubMed 24401662 (cited by Labcorp Genetics (formerly Invitae), Labcorp); PubMed 28123437 (cited by Labcorp Genetics (formerly Invitae), Labcorp and Counsyl); PubMed 23275527 (cited by Counsyl).

NM_000525.4(KCNJ11):c.119G>A (p.Gly40Asp)

Gene: KCNJ11 (potassium inwardly rectifying channel subfamily J member 11; minus strand). Cytogenetic location: 11p15.1.
Variant type: single nucleotide variant.
Coding change: c.119G>A on transcript NM_000525.4 (MANE Select); coding-DNA position 119, G replaced by A.
Protein change: p.Gly40Asp; replaces glycine 40 with aspartic acid.
Molecular consequence: missense variant. On other transcripts: intron variant (3).
Genome position (GRCh38, 1-based): chr11:17,387,973, C>T on the plus strand (G>A on the coding strand, the complement: KCNJ11 is on the minus strand). VCF-style: chr11-17387973-C-T. GRCh37 (hg19) VCF-style: chr11-17409520-C-T.
Other names: c.-16-127G>A (NM_001166290.2, NM_001377297.1); c.-17+45G>A (NM_001377296.1); short protein forms G40D.
Identifiers: ClinVar variation 551373 (VCV000551373.9), dbSNP rs1001873841, ClinGen allele CA218400149.
Genomic context (GRCh38, chr11:17,387,973, plus strand): 5'-AACACGTCCTGCAGGAAGCGGCCCTGCTCCCGGATGTTCTTGTGGGCCACGTTGCAGTTG[C>T]CTTTCTTGGACACAAAGCGGGCCCTCCGCTGGCGGGCACGGTACCTGGGCTTGGCAGGGT-3'
Protein context (NP_000516.3, residues 30-50): QRRARFVSKK[Gly40Asp]NCNVAHKNIR